The following is an entry in ClinVar:

ClinVar aggregate classification (germline): Uncertain significance (1 of 4 stars; one submission).

Conditions:
Hyperkalemic periodic paralysis. Also called: Familial hyperkalemic periodic paralysis; Gamstorp disease. Identifiers: Orphanet 682, MedGen C0238357, MONDO:0008224, OMIM 170500, HP:0007215.

Allele frequency attached by ClinVar (database versions not stated): gnomAD exomes below 0.00001; TOPMed below 0.00001; gnomAD 0.00001.

Submission:

Labcorp Genetics (formerly Invitae), Labcorp
Classification: Uncertain significance for Hyperkalemic periodic paralysis. Last evaluated: 2024-08-31. Review status: criteria provided, single submitter. Criteria: Invitae Variant Classification Sherloc (09022015). Collection method: clinical testing. Allele origin: germline.
Comment: This sequence change replaces leucine, which is neutral and non-polar, with proline, which is neutral and non-polar, at codon 236 of the SCN4A protein (p.Leu236Pro). This variant is not present in population databases (gnomAD no frequency). This variant has not been reported in the literature in individuals affected with SCN4A-related conditions. ClinVar contains an entry for this variant (Variation ID: 1428151). Invitae Evidence Modeling of protein sequence and biophysical properties (such as structural, functional, and spatial information, amino acid conservation, physicochemical variation, residue mobility, and thermodynamic stability) has been performed for this missense variant. However, the output from this modeling did not meet the statistical confidence thresholds required to predict the impact of this variant on SCN4A protein function. In summary, the available evidence is currently insufficient to determine the role of this variant in disease. Therefore, it has been classified as a Variant of Uncertain Significance.

NM_000334.4(SCN4A):c.707T>C (p.Leu236Pro)

Gene: SCN4A (sodium voltage-gated channel alpha subunit 4; minus strand). Cytogenetic location: 17q23.3.
Variant type: single nucleotide variant.
Coding change: c.707T>C on transcript NM_000334.4 (MANE Select); coding-DNA position 707, T replaced by C.
Protein change: p.Leu236Pro; replaces leucine 236 with proline.
Molecular consequence: missense variant.
Genome position (GRCh38, 1-based): chr17:63,968,352, A>G on the plus strand (T>C on the coding strand, the complement: SCN4A is on the minus strand). VCF-style: chr17-63968352-A-G. GRCh37 (hg19) VCF-style: chr17-62045712-A-G.
Other names: short protein forms L236P.
Identifiers: ClinVar variation 1428151 (VCV001428151.6), dbSNP rs1909519703, ClinGen allele CA400637937.